The following is an entry in ClinVar:

NM_015425.6(POLR1A):c.1612-2_1618del

Genes: POLR1A (RNA polymerase I subunit A; minus strand), LOC126806264 (MED14-independent group 3 enhancer GRCh37_chr2:86296595-86297794; plus strand). Cytogenetic location: 2p11.2.
Variant type: Deletion.
Coding change: c.1612-2_1618del on transcript NM_015425.6 (MANE Select); the canonical splice acceptor site of the intron before coding-DNA position 1612 through coding-DNA position 1618, 9 bases deleted (AGGTGTGCC; older notation c.1612-2_1618delAGGTGTGCC).
Molecular consequence: splice acceptor variant.
Genome position (GRCh38, 1-based): chr2:86,070,266-86,070,274, GGCACACCT deleted on the plus strand (AGGTGTGCC on the coding strand, the reverse complement: POLR1A is on the minus strand); deleting any 9 consecutive bases within chr2:86,070,266-86,070,276 gives the same sequence; the c. name uses the placement nearest the transcript's 3' end. VCF-style (leftmost placement, unchanged base first): chr2-86070265-CGGCACACCT-C. GRCh37 (hg19) VCF-style: chr2-86297388-CGGCACACCT-C.
Identifiers: ClinVar variation 4875163 (VCV004875163.2).

ClinVar aggregate classification (germline): Uncertain significance (1 of 4 stars; one submission).

Submission:

CeGaT Center for Human Genetics Tuebingen
Classification: Uncertain significance. Last evaluated: 2026-06-01. Review status: criteria provided, single submitter. Criteria: CeGaT Center For Human Genetics Tuebingen Variant Classification Criteria Version 2. Collection method: clinical testing. Allele origin: germline. Affected: yes. Observed: 1 variant allele.
Comment: POLR1A: PM2, PM4